The following is an entry in ClinVar:

NM_000444.6(PHEX):c.1904del (p.Lys635fs)

Genes: PHEX (phosphate regulating endopeptidase X-linked; plus strand), PTCHD1-AS (PTCHD1 and PHEX antisense RNA; minus strand). Cytogenetic location: Xp22.11.
Variant type: Deletion.
Coding change: c.1904del on transcript NM_000444.6 (MANE Select); coding-DNA position 1904, one base deleted (A; older notation c.1904delA).
Protein change: p.Lys635fs; shifts the reading frame from lysine 635.
Molecular consequence: frameshift variant.
Genome position (GRCh38, 1-based): chrX:22,226,447, A deleted; the last of 2 consecutive A bases (chrX:22,226,446-22,226,447); deleting either gives the same sequence. VCF-style (leftmost placement, unchanged base first): chrX-22226445-CA-C. GRCh37 (hg19) VCF-style: chrX-22244562-CA-C.
Other names: c.1904del, p.Lys635fs (NM_001282754.2); short protein forms K635fs.
Identifiers: ClinVar variation 3663731 (VCV003663731.2).
Genomic context (GRCh38, chrX:22,226,445, plus strand): 5'-GATAGTTGACCGTGAAACACGCATTCATTTTTTTTTTTTCCTTTTTTCTTTCTGTTAGGT[CA>C]AGGGGAAGAGGACCCTGGGAGAAAATATTGCTGATAATGGAGGCCTGCGGGAAGCTTTTA-3'

ClinVar aggregate classification (germline): Pathogenic (1 of 4 stars; one submission).

Submission:

Labcorp Genetics (formerly Invitae), Labcorp
Classification: Pathogenic. Last evaluated: 2024-12-17. Review status: criteria provided, single submitter. Criteria: Invitae Variant Classification Sherloc (09022015). Collection method: clinical testing. Allele origin: germline.
Comment: This sequence change creates a premature translational stop signal (p.Lys635Argfs*27) in the PHEX gene. It is expected to result in an absent or disrupted protein product. Loss-of-function variants in PHEX are known to be pathogenic (PMID: 9097956, 9106524, 19219621). This variant is not present in population databases (gnomAD no frequency). This variant has not been reported in the literature in individuals affected with PHEX-related conditions. For these reasons, this variant has been classified as Pathogenic.

Literature cited by the submitters: PubMed 9097956; PubMed 9106524; PubMed 19219621.